The following is an entry in ClinVar:

ClinVar aggregate classification (germline): Uncertain significance. Review status: criteria provided, multiple submitters, no conflicts (2 of 4 stars). 6 submissions from 6 submitters: Uncertain significance (5). 1 of the submissions does not count toward it. Last evaluated 2025-10-15.

Conditions:
Inborn genetic diseases. Identifiers: MedGen C0950123, MeSH D030342.
Muscular dystrophy-dystroglycanopathy (congenital with impaired intellectual development), type B, 3. Also called: Muscular dystrophy-dystroglycanopathy (congenital with intellectual disability), type B3; MUSCULAR DYSTROPHY, CONGENITAL, POMGNT1-RELATED. Identifiers: MedGen C3150412, MONDO:0013155, OMIM 613151.
Autosomal recessive limb-girdle muscular dystrophy type 2O. Also called: MUSCULAR DYSTROPHY-DYSTROGLYCANOPATHY, LIMB-GIRDLE, POMGNT1-RELATED; Limb-Girdle Muscular Dystrophy Type 3C; MUSCULAR DYSTROPHY-DYSTROGLYCANOPATHY (LIMB-GIRDLE), TYPE C, 3. Identifiers: Orphanet 206564, MedGen C3150417, MONDO:0013161, OMIM 613157.
Muscle eye brain disease (MEB). Also called: Santavuori congenital muscular dystrophy. Identifiers: Orphanet 588, Orphanet 899, MedGen C0457133, MONDO:0018939.

Allele frequency attached by ClinVar (database versions not stated): TOPMed 0.00005; ExAC 0.00005; ESP Exome Variant Server 0.00023; gnomAD 0.00003; gnomAD exomes 0.00004 and 0.00006.
gnomAD v4.1: 88 of 1,614,098 alleles (0.0055%); highest among the groups gnomAD compares: African/African-American, 0.0093%; no homozygotes.

Submissions (6):

Ambry Genetics
Classification: Uncertain significance for Inborn genetic diseases. Last evaluated: 2025-10-15. Review status: criteria provided, single submitter. Criteria: Ambry Variant Classification Scheme 2023. Collection method: clinical testing. Allele origin: germline.

Blueprint Genetics
Classification: Uncertain significance. Last evaluated: 2024-06-24. Review status: criteria provided, single submitter. Criteria: ACMG Guidelines, 2015. Collection method: clinical testing. Allele origin: germline.

Revvity Omics, Revvity
Classification: Uncertain significance. Last evaluated: 2024-03-13. Review status: criteria provided, single submitter. Criteria: ACMG Guidelines, 2015. Collection method: clinical testing. Allele origin: germline.

Labcorp Genetics (formerly Invitae), Labcorp
Classification: Uncertain significance for Autosomal recessive limb-girdle muscular dystrophy type 2O; Muscular dystrophy-dystroglycanopathy (congenital with impaired intellectual development), type B, 3. Last evaluated: 2022-07-19. Review status: criteria provided, single submitter. Criteria: Invitae Variant Classification Sherloc (09022015). Collection method: clinical testing. Allele origin: germline.
Comment: This sequence change replaces arginine, which is basic and polar, with histidine, which is basic and polar, at codon 263 of the POMGNT1 protein (p.Arg263His). This variant is present in population databases (rs146078296, gnomAD 0.01%). This variant has not been reported in the literature in individuals affected with POMGNT1-related conditions. ClinVar contains an entry for this variant (Variation ID: 286165). Advanced modeling of protein sequence and biophysical properties (such as structural, functional, and spatial information, amino acid conservation, physicochemical variation, residue mobility, and thermodynamic stability) performed at Invitae indicates that this missense variant is not expected to disrupt POMGNT1 protein function. In summary, the available evidence is currently insufficient to determine the role of this variant in disease. Therefore, it has been classified as a Variant of Uncertain Significance.

Eurofins Ntd Llc (ga)
Classification: Uncertain significance. Last evaluated: 2016-12-28. Review status: criteria provided, single submitter. Criteria: EGL Classification Definitions 2015. Collection method: clinical testing. Allele origin: germline. Observed: 3 variant alleles, 3 heterozygotes.

Natera, Inc.
Classification: Uncertain significance for Muscle-eye-brain disease. Last evaluated: 2019-10-28. Review status: no assertion criteria provided. Collection method: clinical testing. Allele origin: germline. Not counted in ClinVar's aggregate classification.

NM_017739.4(POMGNT1):c.788G>A (p.Arg263His)

Genes: POMGNT1 (protein O-linked mannose N-acetylglucosaminyltransferase 1 (beta 1,2-); minus strand), TSPAN1 (tetraspanin 1; plus strand). Cytogenetic location: 1p34.1.
Variant type: single nucleotide variant.
Coding change: c.788G>A on transcript NM_017739.4 (MANE Select); coding-DNA position 788, G replaced by A.
Protein change: p.Arg263His; replaces arginine 263 with histidine.
Molecular consequence: missense variant.
Genome position (GRCh38, 1-based): chr1:46,194,365, C>T on the plus strand (G>A on the coding strand, the complement: POMGNT1 is on the minus strand). VCF-style: chr1-46194365-C-T. GRCh37 (hg19) VCF-style: chr1-46660037-C-T.
Other names: c.788G>A, p.Arg263His (NM_001243766.2, NM_001410783.1); c.722G>A, p.Arg241His (NM_001290129.3); c.359G>A, p.Arg120His (NM_001290130.2); short protein forms R263H, R120H, R241H.
Identifiers: ClinVar variation 286165 (VCV000286165.13), dbSNP rs146078296, ClinGen allele CA833606.